The following is an entry in ClinVar:

NM_000088.4(COL1A1):c.2456C>T (p.Ala819Val)

Gene: COL1A1 (collagen type I alpha 1 chain; minus strand). Cytogenetic location: 17q21.33.
Variant type: single nucleotide variant.
Coding change: c.2456C>T on transcript NM_000088.4 (MANE Select); coding-DNA position 2456, C replaced by T.
Protein change: p.Ala819Val; replaces alanine 819 with valine.
Molecular consequence: missense variant.
Genome position (GRCh38, 1-based): chr17:50,190,104, G>A on the plus strand (C>T on the coding strand, the complement: COL1A1 is on the minus strand). VCF-style: chr17-50190104-G-A. GRCh37 (hg19) VCF-style: chr17-48267465-G-A.
Other names: short protein forms A819V.
Identifiers: ClinVar variation 3666934 (VCV003666934.5).

ClinVar aggregate classification (germline): Uncertain significance. Review status: criteria provided, multiple submitters, no conflicts (2 of 4 stars). 3 submissions from 3 submitters: Uncertain significance (3). Last evaluated 2026-03-26.

Conditions:
Osteogenesis imperfecta type I (OI1). Also called: Classic Non-deforming Osteogenesis Imperfecta with Blue Sclerae; OI, TYPE I; OSTEOGENESIS IMPERFECTA TARDA; OSTEOGENESIS IMPERFECTA WITH BLUE SCLERAE; Osteogenesis imperfecta type 1; Lobstein's Disease. Identifiers: Orphanet 216796, Orphanet 666, MedGen C0023931, MONDO:0008146, OMIM 166200. Disease mechanism: loss of function.
Cardiovascular phenotype. Identifiers: MedGen CN230736.

gnomAD v4.1: 2 of 1,613,718 alleles (0.00012%); highest among the groups gnomAD compares: South Asian, 0.0011%; no homozygotes.

Submissions (3):

Dasa
Classification: Uncertain significance. Last evaluated: 2026-03-26. Review status: criteria provided, single submitter. Criteria: DASA Assertion Criteria. Collection method: clinical testing. Allele origin: germline.
Comment: NM_000088.4(COL1A1):c.2456C>T (p.Ala819Val) is a missense variant that results in the substitution of alanine with valine. This variant is rare in population databases. The currently available literature and clinical evidence are not sufficient to establish a definitive association between this variant and the reported condition. Therefore, this variant is classified as a variant of uncertain significance.

Ambry Genetics
Classification: Uncertain significance for Cardiovascular phenotype. Last evaluated: 2025-12-26. Review status: criteria provided, single submitter. Criteria: Ambry Variant Classification Scheme 2023. Collection method: clinical testing. Allele origin: germline.
Comment: The p.A819V variant (also known as c.2456C>T), located in coding exon 36 of the COL1A1 gene, results from a C to T substitution at nucleotide position 2456. The alanine at codon 819 is replaced by valine, an amino acid with similar properties. This amino acid position is conserved. In addition, the in silico prediction for this alteration is inconclusive. Based on the available evidence, the clinical significance of this variant remains unclear.

Labcorp Genetics (formerly Invitae), Labcorp
Classification: Uncertain significance for Osteogenesis imperfecta type I. Last evaluated: 2024-09-11. Review status: criteria provided, single submitter. Criteria: Invitae Variant Classification Sherloc (09022015). Collection method: clinical testing. Allele origin: germline.
Comment: This sequence change replaces alanine, which is neutral and non-polar, with valine, which is neutral and non-polar, at codon 819 of the COL1A1 protein (p.Ala819Val). This variant is not present in population databases (gnomAD no frequency). This variant has not been reported in the literature in individuals affected with COL1A1-related conditions. Invitae Evidence Modeling of protein sequence and biophysical properties (such as structural, functional, and spatial information, amino acid conservation, physicochemical variation, residue mobility, and thermodynamic stability) has been performed for this missense variant. However, the output from this modeling did not meet the statistical confidence thresholds required to predict the impact of this variant on COL1A1 protein function. In summary, the available evidence is currently insufficient to determine the role of this variant in disease. Therefore, it has been classified as a Variant of Uncertain Significance.